The following is an entry in ClinVar:

ClinVar aggregate classification (germline): Conflicting classifications of pathogenicity. Review status: criteria provided, conflicting classifications (1 of 4 stars). 2 submissions from 2 submitters: Uncertain significance (1); Likely benign (1). Last evaluated 2026-01-04.

Conditions:
Hereditary cancer-predisposing syndrome. Also called: Neoplastic Syndromes, Hereditary; Hereditary neoplastic syndrome; Hereditary Cancer Syndrome; Tumor predisposition. Identifiers: Orphanet 140162, MedGen C0027672, MeSH D009386, MONDO:0015356.
POLD1-related polyposis and colorectal cancer syndrome (CRCS10). Also called: Colorectal cancer, susceptibility to, 10; Colorectal cancer 10; COLORECTAL CANCER, SUSCEPTIBILITY TO, ON CHROMOSOME 19q. Identifiers: Orphanet 220460, MedGen C2675481, MONDO:0012953, OMIM 612591.

Allele frequency attached by ClinVar (database versions not stated): gnomAD exomes below 0.00001.
gnomAD v4.1: 3 of 1,612,638 alleles (0.00019%); highest among the groups gnomAD compares: Non-Finnish European, 0.00025%; no homozygotes.

Submissions (2):

Labcorp Genetics (formerly Invitae), Labcorp
Classification: Uncertain significance for POLD1-related polyposis and colorectal cancer syndrome. Last evaluated: 2026-01-04. Review status: criteria provided, single submitter. Criteria: Invitae Variant Classification Sherloc (09022015). Collection method: clinical testing. Allele origin: germline.
Comment: This sequence change replaces tyrosine, which is neutral and polar, with histidine, which is basic and polar, at codon 517 of the POLD1 protein (p.Tyr517His). This variant is not present in population databases (gnomAD no frequency). This variant has not been reported in the literature in individuals affected with POLD1-related conditions. ClinVar contains an entry for this variant (Variation ID: 408080). Invitae Evidence Modeling of protein sequence and biophysical properties (such as structural, functional, and spatial information, amino acid conservation, physicochemical variation, residue mobility, and thermodynamic stability) indicates that this missense variant is not expected to disrupt POLD1 protein function with a negative predictive value of 80%. In summary, the available evidence is currently insufficient to determine the role of this variant in disease. Therefore, it has been classified as a Variant of Uncertain Significance.

Ambry Genetics
Classification: Likely benign for Hereditary cancer-predisposing syndrome. Last evaluated: 2025-01-14. Review status: criteria provided, single submitter. Criteria: Ambry Variant Classification Scheme 2023. Collection method: clinical testing. Allele origin: germline.

NM_002691.4(POLD1):c.1549T>C (p.Tyr517His)

Gene: POLD1 (DNA polymerase delta 1, catalytic subunit; plus strand). Cytogenetic location: 19q13.33.
Variant type: single nucleotide variant.
Coding change: c.1549T>C on transcript NM_002691.4 (MANE Select); coding-DNA position 1549, T replaced by C.
Protein change: p.Tyr517His; replaces tyrosine 517 with histidine.
Molecular consequence: missense variant. On other transcripts: non-coding transcript variant (1).
Genome position (GRCh38, 1-based): chr19:50,407,037, T>C. VCF-style: chr19-50407037-T-C. GRCh37 (hg19) VCF-style: chr19-50910294-T-C.
Other names: c.1549T>C, p.Tyr517His (NM_001256849.1, NM_001308632.1); short protein forms Y517H.
Identifiers: ClinVar variation 408080 (VCV000408080.14), dbSNP rs1060501843, ClinGen allele CA16616130.
Genomic context (GRCh38, chr19:50,407,037, plus strand): 5'-CCCCAGAATGGGAACGACCAGACCCGCCGCCGCCTGGCTGTGTACTGCCTGAAGGATGCC[T>C]ACCTGCCACTGCGGCTGCTGGAGCGGCTCATGGTGCTGGTGAACGCCGTGGAGATGGCGA-3'
Protein context (NP_002682.2, residues 507-527): RLAVYCLKDA[Tyr517His]LPLRLLERLM